The following is an entry in ClinVar:

ClinVar aggregate classification (germline): Benign. Review status: criteria provided, multiple submitters, no conflicts (2 of 4 stars). 4 submissions from 4 submitters: Benign (3). 1 of the submissions does not count toward it. Last evaluated 2018-11-13.

Allele frequency attached by ClinVar (database versions not stated): gnomAD 0.98347; gnomAD exomes 0.98514; ExAC 0.98587; ESP Exome Variant Server 0.98985; TOPMed 0.99130; 1000 Genomes Project 0.99321; 1000 Genomes Project 30x 0.99329.

Submissions (4):

GeneDx
Classification: Benign. Last evaluated: 2018-11-13. Review status: criteria provided, single submitter. Criteria: GeneDx Variant Classification Process June 2021. Collection method: clinical testing. Allele origin: germline. Affected: yes.

Breakthrough Genomics
Classification: Benign. Review status: criteria provided, single submitter. Criteria: ACMG Guidelines, 2015. Collection method: not provided. Allele origin: germline. Inheritance: Autosomal recessive inheritance. Affected: yes.

PreventionGenetics, part of Exact Sciences
Classification: Benign. Review status: criteria provided, single submitter. Criteria: ACMG Guidelines, 2015. Collection method: clinical testing. Allele origin: germline.

ZMPSTE24 homepage - Leiden Muscular Dystrophy pages
No classification provided. Review status: no classification provided. Collection method: not provided. Allele origin: germline. Not counted in ClinVar's aggregate classification.
Comment: no known functional consequence

NM_005857.5(ZMPSTE24):c.628-50T>G

Gene: ZMPSTE24 (zinc metallopeptidase STE24; plus strand). Cytogenetic location: 1p34.2.
Variant type: single nucleotide variant.
Coding change: c.628-50T>G on transcript NM_005857.5 (MANE Select); 50 bases into the intron before coding-DNA position 628, T replaced by G.
Molecular consequence: intron variant.
Genome position (GRCh38, 1-based): chr1:40,271,844, T>G. VCF-style: chr1-40271844-T-G. GRCh37 (hg19) VCF-style: chr1-40737516-T-G.
Other names: c.628-50T>G (LRG_212t1).
Identifiers: ClinVar variation 140535 (VCV000140535.5), dbSNP rs6677717, ClinGen allele CA232756.